The following is an entry in ClinVar:

ClinVar aggregate classification (germline): Uncertain significance (1 of 4 stars; one submission).

Conditions:
Aicardi-Goutieres syndrome 7 (AGS7). Identifiers: Orphanet 51, MedGen C3888244, MONDO:0014367, OMIM 615846.
Singleton-Merten syndrome 1 (SGMRT1). Also called: Widened medullary cavities of bone, aortic calcification, abnormal dentition, and muscular weakness; Syndrome of widened medullary cavities of the metacarpals and phalanges, aortic calcification and abnormal dentition. Identifiers: Orphanet 85191, MedGen C4225427, MONDO:0024535, OMIM 182250.

gnomAD v4.1: 3 of 1,591,290 alleles (0.00019%); highest among the groups gnomAD compares: African/African-American, 0.0014%; no homozygotes.

Submission:

Labcorp Genetics (formerly Invitae), Labcorp
Classification: Uncertain significance for Aicardi-Goutieres syndrome 7; Singleton-Merten syndrome 1. Last evaluated: 2025-04-22. Review status: criteria provided, single submitter. Criteria: Invitae Variant Classification Sherloc (09022015). Collection method: clinical testing. Allele origin: germline.
Comment: This sequence change replaces alanine, which is neutral and non-polar, with threonine, which is neutral and polar, at codon 815 of the IFIH1 protein (p.Ala815Thr). This variant is not present in population databases (gnomAD no frequency). This variant has not been reported in the literature in individuals affected with IFIH1-related conditions. ClinVar contains an entry for this variant (Variation ID: 1983906). Invitae Evidence Modeling of protein sequence and biophysical properties (such as structural, functional, and spatial information, amino acid conservation, physicochemical variation, residue mobility, and thermodynamic stability) has been performed for this missense variant. However, the output from this modeling did not meet the statistical confidence thresholds required to predict the impact of this variant on IFIH1 protein function. In summary, the available evidence is currently insufficient to determine the role of this variant in disease. Therefore, it has been classified as a Variant of Uncertain Significance.

NM_022168.4(IFIH1):c.2443G>A (p.Ala815Thr)

Gene: IFIH1 (interferon induced with helicase C domain 1; minus strand). Cytogenetic location: 2q24.2.
Variant type: single nucleotide variant.
Coding change: c.2443G>A on transcript NM_022168.4 (MANE Select); coding-DNA position 2443, G replaced by A.
Protein change: p.Ala815Thr; replaces alanine 815 with threonine.
Molecular consequence: missense variant.
Genome position (GRCh38, 1-based): chr2:162,273,806, C>T on the plus strand (G>A on the coding strand, the complement: IFIH1 is on the minus strand). VCF-style: chr2-162273806-C-T. GRCh37 (hg19) VCF-style: chr2-163130316-C-T.
Other names: short protein forms A815T.
Identifiers: ClinVar variation 1983906 (VCV001983906.4), dbSNP rs745774513, ClinGen allele CA348995712.